The following is an entry in ClinVar:

NM_001378418.1(TCF20):c.1370G>C (p.Ser457Thr)

Gene: TCF20 (transcription factor 20; minus strand). Cytogenetic location: 22q13.2.
Variant type: single nucleotide variant.
Coding change: c.1370G>C on transcript NM_001378418.1 (MANE Select); coding-DNA position 1370, G replaced by C.
Protein change: p.Ser457Thr; replaces serine 457 with threonine.
Molecular consequence: missense variant.
Genome position (GRCh38, 1-based): chr22:42,213,936, C>G on the plus strand (G>C on the coding strand, the complement: TCF20 is on the minus strand). VCF-style: chr22-42213936-C-G. GRCh37 (hg19) VCF-style: chr22-42609942-C-G.
Other names: c.1370G>C, p.Ser457Thr (NM_005650.4, NM_181492.3); short protein forms S457T.
Identifiers: ClinVar variation 3699939 (VCV003699939.2).

ClinVar aggregate classification (germline): Uncertain significance (1 of 4 stars; one submission).

gnomAD v4.1: 1 of 1,614,160 alleles (0.000062%); highest among the groups gnomAD compares: Admixed American, 0.0017%; no homozygotes.

Submission:

Labcorp Genetics (formerly Invitae), Labcorp
Classification: Uncertain significance. Last evaluated: 2024-12-24. Review status: criteria provided, single submitter. Criteria: Invitae Variant Classification Sherloc (09022015). Collection method: clinical testing. Allele origin: germline.
Comment: This sequence change replaces serine, which is neutral and polar, with threonine, which is neutral and polar, at codon 457 of the TCF20 protein (p.Ser457Thr). This variant is present in population databases (no rsID available, gnomAD 0.003%). This variant has not been reported in the literature in individuals affected with TCF20-related conditions. An algorithm developed to predict the effect of missense changes on protein structure and function (PolyPhen-2) suggests that this variant is likely to be disruptive. In summary, the available evidence is currently insufficient to determine the role of this variant in disease. Therefore, it has been classified as a Variant of Uncertain Significance.